The following is an entry in ClinVar:

NM_001105206.3(LAMA4):c.1205T>C (p.Met402Thr)

Gene: LAMA4 (laminin subunit alpha 4; minus strand). Cytogenetic location: 6q21.
Variant type: single nucleotide variant.
Coding change: c.1205T>C on transcript NM_001105206.3 (MANE Select); coding-DNA position 1205, T replaced by C.
Protein change: p.Met402Thr; replaces methionine 402 with threonine.
Molecular consequence: missense variant.
Genome position (GRCh38, 1-based): chr6:112,175,465, A>G on the plus strand (T>C on the coding strand, the complement: LAMA4 is on the minus strand). VCF-style: chr6-112175465-A-G. GRCh37 (hg19) VCF-style: chr6-112496667-A-G.
Other names: c.1184T>C, p.Met395Thr (NM_001105207.3, NM_002290.5); short protein forms M402T, M395T.
Identifiers: ClinVar variation 3536949 (VCV003536949.1).

ClinVar aggregate classification (germline): Uncertain significance (1 of 4 stars; one submission).

Conditions:
Cardiovascular phenotype. Identifiers: MedGen CN230736.

gnomAD v4.1: 7 of 1,614,100 alleles (0.00043%); highest among the groups gnomAD compares: African/African-American, 0.0027%; no homozygotes.

Submission:

Ambry Genetics
Classification: Uncertain significance for Cardiovascular phenotype. Last evaluated: 2024-10-08. Review status: criteria provided, single submitter. Criteria: Ambry Variant Classification Scheme 2023. Collection method: clinical testing. Allele origin: germline.
Comment: The p.M395T variant (also known as c.1184T>C), located in coding exon 10 of the LAMA4 gene, results from a T to C substitution at nucleotide position 1184. The methionine at codon 395 is replaced by threonine, an amino acid with similar properties. This amino acid position is conserved. In addition, this alteration is predicted to be tolerated by in silico analysis. Based on the available evidence, the clinical significance of this variant remains unclear.